The following is an entry in ClinVar:

NM_001267550.2(TTN):c.36310G>T (p.Glu12104Ter)

Gene: TTN (titin; minus strand). Cytogenetic location: 2q31.2.
Variant type: single nucleotide variant.
Coding change: c.36310G>T on transcript NM_001267550.2 (MANE Select); coding-DNA position 36310, G replaced by T.
Protein change: p.Glu12104Ter; replaces glutamic acid 12104 with a stop codon.
Molecular consequence: nonsense. On other transcripts: intron variant (5).
Genome position (GRCh38, 1-based): chr2:178,664,069, C>A on the plus strand (G>T on the coding strand, the complement: TTN is on the minus strand). VCF-style: chr2-178664069-C-A. GRCh37 (hg19) VCF-style: chr2-179528796-C-A.
Other names: c.13283-21752G>T (NM_003319.4); c.13859-21752G>T (NM_133437.4); c.13658-21752G>T (NM_133432.3); c.31484-1014G>T (NM_133378.4); c.34265-1014G>T (NM_001256850.1); c.36310G>T (NM_001267550.1); short protein forms E12104*.
Identifiers: ClinVar variation 467067 (VCV000467067.10), dbSNP rs1455879402, ClinGen allele CA349499145.
Genomic context (GRCh38, chr2:178,664,069, plus strand): 5'-AAATACCTTTAACAGGTGGGACTTCAGGCTTTTTAGGAGGCACCACCGACACTTTCTTTT[C>A]AGGGATAATCTCTTTGGGAGCTTCGTGCACTTGAAAGATATTAGTATTTTTACACTCAGA-3'

ClinVar aggregate classification (germline): Conflicting classifications of pathogenicity. Review status: criteria provided, conflicting classifications (1 of 4 stars). 3 submissions from 3 submitters: Likely pathogenic (1); Uncertain significance (2). Last evaluated 2026-01-06.

Conditions:
Autosomal recessive limb-girdle muscular dystrophy type 2J (LGMDR10). Also called: Limb-girdle muscular dystrophy, type 2J; MUSCULAR DYSTROPHY, LIMB-GIRDLE, AUTOSOMAL RECESSIVE 10. Identifiers: Orphanet 140922, MedGen C1837342, MONDO:0012127, OMIM 608807.
Dilated cardiomyopathy 1G (CMD1G). Identifiers: Orphanet 154, MedGen C1858763, MONDO:0011400, OMIM 604145.

Allele frequency attached by ClinVar (database versions not stated): gnomAD 0.00005; TOPMed 0.00005.
gnomAD v4.1: 15 of 1,612,712 alleles (0.00093%); highest among the groups gnomAD compares: Admixed American, 0.023%; no homozygotes.

Submissions (3):

Labcorp Genetics (formerly Invitae), Labcorp
Classification: Likely pathogenic for Dilated cardiomyopathy 1G; Autosomal recessive limb-girdle muscular dystrophy type 2J. Last evaluated: 2026-01-06. Review status: criteria provided, single submitter. Criteria: Invitae Variant Classification Sherloc (09022015). Collection method: clinical testing. Allele origin: germline.
Comment: This sequence change creates a premature translational stop signal (p.Glu12104*) in the TTN gene. While this is not anticipated to result in nonsense mediated decay, it is expected to create a truncated TTN protein. This variant is present in population databases (no rsID available, gnomAD 0.02%). This variant has not been reported in the literature in individuals affected with TTN-related conditions. ClinVar contains an entry for this variant (Variation ID: 467067). Algorithms developed to predict the effect of sequence changes on RNA splicing suggest that this variant may disrupt the consensus splice site. This variant is located in the I band of TTN (PMID: 25589632). Truncating variants in this region have been reported in individuals affected with autosomal recessive centronuclear myopathy (PMID: 23975875, internal data). Truncating variants in this region have also been identified in individuals affected with autosomal dominant dilated cardiomyopathy and/or cardio-related conditions (PMID: 27869827, 32964742, internal data). In summary, the currently available evidence indicates that the variant is pathogenic, but additional data are needed to prove that conclusively. Therefore, this variant has been classified as Likely Pathogenic.

Revvity Omics, Revvity
Classification: Uncertain significance. Last evaluated: 2024-07-02. Review status: criteria provided, single submitter. Criteria: ACMG Guidelines, 2015. Collection method: clinical testing. Allele origin: germline.

GeneDx
Classification: Uncertain significance. Last evaluated: 2022-06-15. Review status: criteria provided, single submitter. Criteria: GeneDx Variant Classification Process June 2021. Collection method: clinical testing. Allele origin: germline. Affected: yes.
Comment: Nonsense variant predicted to result in protein truncation or nonsense mediated decay in a gene for which loss of function is a known mechanism of disease; Has not been previously published as pathogenic or benign to our knowledge; Located in a region of TTN in which the majority of pathogenic variants have been reported in association with autosomal recessive titinopathies (Fernandez-Marmiesse et al., 2017; Chervinsky et al., 2018; Bryen et al., 2020; Sarvares et al., 2020); This variant is associated with the following publications: (PMID: 28040389, 29575618, 31660661, 32778822)

Literature cited by the submitters: PubMed 25589632 (cited by Labcorp Genetics (formerly Invitae), Labcorp); PubMed 23975875 (cited by Labcorp Genetics (formerly Invitae), Labcorp); PubMed 27869827 (cited by Labcorp Genetics (formerly Invitae), Labcorp); PubMed 32964742 (cited by Labcorp Genetics (formerly Invitae), Labcorp).